The following is an entry in ClinVar:

NM_004329.3(BMPR1A):c.1166+5G>T

Gene: BMPR1A (bone morphogenetic protein receptor type 1A; plus strand). Cytogenetic location: 10q23.2.
Variant type: single nucleotide variant.
Coding change: c.1166+5G>T on transcript NM_004329.3 (MANE Select); 5 bases into the intron after coding-DNA position 1166, G replaced by T.
Molecular consequence: intron variant.
Genome position (GRCh38, 1-based): chr10:86,919,474, G>T. VCF-style: chr10-86919474-G-T. GRCh37 (hg19) VCF-style: chr10-88679231-G-T.
Identifiers: ClinVar variation 1477796 (VCV001477796.6), dbSNP rs1843629187, ClinGen allele CA2573145716.

ClinVar aggregate classification (germline): Uncertain significance (1 of 4 stars; one submission).

Conditions:
Juvenile polyposis syndrome (JPS). Identifiers: Orphanet 2929, MedGen C0345893, MONDO:0017380, OMIM 174900.

Submission:

Labcorp Genetics (formerly Invitae), Labcorp
Classification: Uncertain significance for Juvenile polyposis syndrome. Last evaluated: 2021-08-12. Review status: criteria provided, single submitter. Criteria: Invitae Variant Classification Sherloc (09022015). Collection method: clinical testing. Allele origin: germline.
Comment: In summary, the available evidence is currently insufficient to determine the role of this variant in disease. Therefore, it has been classified as a Variant of Uncertain Significance. Variants that disrupt the consensus splice site are a relatively common cause of aberrant splicing (PMID: 17576681, 9536098). Algorithms developed to predict the effect of sequence changes on RNA splicing suggest that this variant may disrupt the consensus splice site. This variant has not been reported in the literature in individuals affected with BMPR1A-related conditions. This variant is not present in population databases (ExAC no frequency). This sequence change falls in intron 10 of the BMPR1A gene. It does not directly change the encoded amino acid sequence of the BMPR1A protein. It affects a nucleotide within the consensus splice site of the intron.

Literature cited by the submitters: PubMed 17576681; PubMed 9536098.